The following is an entry in ClinVar:

NM_003900.5(SQSTM1):c.570C>T (p.His190=)

Gene: SQSTM1 (sequestosome 1; plus strand). Cytogenetic location: 5q35.3.
Variant type: single nucleotide variant.
Coding change: c.570C>T on transcript NM_003900.5 (MANE Select); coding-DNA position 570, C replaced by T.
Protein change: p.His190=; no amino-acid change (histidine 190 retained).
Molecular consequence: synonymous variant.
Genome position (GRCh38, 1-based): chr5:179,824,220, C>T. VCF-style: chr5-179824220-C-T. GRCh37 (hg19) VCF-style: chr5-179251220-C-T.
Other names: c.318C>T, p.His106= (NM_001142298.2, NM_001142299.2); c.570C>T (NM_003900.4).
Identifiers: ClinVar variation 1362543 (VCV001362543.33), dbSNP rs758110159, ClinGen allele CA3600570.
Genomic context (GRCh38, chr5:179,824,220, plus strand): 5'-GCTCTGCTAATTCCTCCCCCAGGGCTTCTCGCACAGCCGCTGGCTCCGGAAGGTGAAACA[C>T]GGACACTTCGGGTGGCCAGGATGGGAAATGGGTCCACCAGGAAACTGGAGCCCACGTCCT-3'
Protein context (NP_003891.1, residues 180-200): SHSRWLRKVK[His190=]GHFGWPGWEM

ClinVar aggregate classification (germline): Likely benign. Review status: criteria provided, multiple submitters, no conflicts (2 of 4 stars). 3 submissions from 3 submitters: Likely benign (2). 1 of the submissions does not count toward it. Last evaluated 2025-12-01.

Conditions:
SQSTM1-related disorder. Also called: SQSTM1-Related Disorders.
Frontotemporal dementia and/or amyotrophic lateral sclerosis 1 (FTDALS1). Also called: Frontotemporal dementia with motor neuron disease 1; C9orf72 Frontotemporal Dementia and/or Amyotrophic Lateral Sclerosis. Identifiers: Orphanet 275872, MedGen C5779877, MONDO:0007105, OMIM 105550.
Paget disease of bone 2, early-onset (PDB2). Also called: Paget disease of bone 2. Identifiers: MedGen C4085251, MONDO:0011183, OMIM 602080.

Allele frequency attached by ClinVar (database versions not stated): ExAC 0.00002; gnomAD 0.00003 and 0.00004; gnomAD exomes 0.00003 and 0.00001; TOPMed 0.00003.
gnomAD v4.1: 47 of 1,613,748 alleles (0.0029%); highest among the groups gnomAD compares: African/African-American, 0.004%; no homozygotes.

Submissions (3):

CeGaT Center for Human Genetics Tuebingen
Classification: Likely benign. Last evaluated: 2025-12-01. Review status: criteria provided, single submitter. Criteria: CeGaT Center For Human Genetics Tuebingen Variant Classification Criteria Version 2. Collection method: clinical testing. Allele origin: germline. Affected: yes. Observed: 2 variant alleles.
Comment: SQSTM1: BP4, BP7

Labcorp Genetics (formerly Invitae), Labcorp
Classification: Likely benign for Paget disease of bone 2, early-onset; Frontotemporal dementia and/or amyotrophic lateral sclerosis 1. Last evaluated: 2025-03-01. Review status: criteria provided, single submitter. Criteria: Invitae Variant Classification Sherloc (09022015). Collection method: clinical testing. Allele origin: germline.

PreventionGenetics, part of Exact Sciences
Classification: Likely benign for SQSTM1-related condition. Last evaluated: 2019-04-15. Review status: no assertion criteria provided. Collection method: clinical testing. Allele origin: germline. Not counted in ClinVar's aggregate classification.
Comment: This variant is classified as likely benign based on ACMG/AMP sequence variant interpretation guidelines (Richards et al. 2015 PMID: 25741868, with internal and published modifications).